The following is an entry in ClinVar:

NM_000237.3(LPL):c.1128C>T (p.Ile376=)

Gene: LPL (lipoprotein lipase; plus strand). Cytogenetic location: 8p21.3.
Variant type: single nucleotide variant.
Coding change: c.1128C>T on transcript NM_000237.3 (MANE Select); coding-DNA position 1128, C replaced by T.
Protein change: p.Ile376=; no amino-acid change (isoleucine 376 retained).
Molecular consequence: synonymous variant.
Genome position (GRCh38, 1-based): chr8:19,959,369, C>T. VCF-style: chr8-19959369-C-T. GRCh37 (hg19) VCF-style: chr8-19816880-C-T.
Identifiers: ClinVar variation 745949 (VCV000745949.16), dbSNP rs299, ClinGen allele CA4655617.

ClinVar aggregate classification (germline): Benign/Likely benign. Review status: criteria provided, multiple submitters, no conflicts (2 of 4 stars). 6 submissions from 6 submitters: Benign (1); Likely benign (3). 2 of the submissions do not count toward it. Last evaluated 2026-01-18.

Conditions:
LPL-related disorder. Also called: LPL-related condition.
Cardiovascular phenotype. Identifiers: MedGen CN230736.
Hyperlipoproteinemia, type I. Also called: Lipase D deficiency; Familial Lipoprotein Lipase Deficiency; Hyperlipoproteinemia type 1; Hyperchylomicro-nemia familial; Familial chylomicronemia; Hyperlipemia idiopathic Burger-Grutz type. Identifiers: Orphanet 309015, Orphanet 444490, MedGen C0023817, MONDO:0009387, OMIM 238600. Disease mechanism: loss of function.

Allele frequency attached by ClinVar (database versions not stated): gnomAD exomes 0.00014 and 0.00037; ExAC 0.00043; gnomAD 0.00133 and 0.00140; TOPMed 0.00155; 1000 Genomes Project 30x 0.00156; 1000 Genomes Project 0.00180; ESP Exome Variant Server 0.00200.
gnomAD v4.1: 411 of 1,614,078 alleles (0.025%); highest among the groups gnomAD compares: African/African-American, 0.49%; 2 homozygotes.

Submissions (6):

Labcorp Genetics (formerly Invitae), Labcorp
Classification: Benign. Last evaluated: 2026-01-18. Review status: criteria provided, single submitter. Criteria: Invitae Variant Classification Sherloc (09022015). Collection method: clinical testing. Allele origin: germline.

Blueprint Genetics
Classification: Likely benign. Last evaluated: 2024-09-25. Review status: criteria provided, single submitter. Criteria: ACMG Guidelines, 2015. Collection method: clinical testing. Allele origin: germline.

Women's Health and Genetics/Laboratory Corporation of America, LabCorp
Classification: Likely benign. Last evaluated: 2023-08-01. Review status: criteria provided, single submitter. Criteria: LabCorp Variant Classification Summary - May 2015. Collection method: clinical testing. Allele origin: germline.

Ambry Genetics
Classification: Likely benign for Cardiovascular phenotype. Last evaluated: 2021-03-30. Review status: criteria provided, single submitter. Criteria: Ambry Variant Classification Scheme 2023. Collection method: clinical testing. Allele origin: germline.

PreventionGenetics, part of Exact Sciences
Classification: Likely benign for LPL-related condition. Last evaluated: 2019-10-28. Review status: no assertion criteria provided. Collection method: clinical testing. Allele origin: germline. Not counted in ClinVar's aggregate classification.
Comment: This variant is classified as likely benign based on ACMG/AMP sequence variant interpretation guidelines (Richards et al. 2015 PMID: 25741868, with internal and published modifications).

Natera, Inc.
Classification: Likely benign for Lipoprotein lipase deficiency. Last evaluated: 2019-10-25. Review status: no assertion criteria provided. Collection method: clinical testing. Allele origin: germline. Not counted in ClinVar's aggregate classification.